The following is an entry in ClinVar:

NM_000104.4(CYP1B1):c.1064_1076del (p.Arg355fs)

Gene: CYP1B1 (cytochrome P450 family 1 subfamily B member 1; minus strand). Cytogenetic location: 2p22.2.
Variant type: Deletion.
Coding change: c.1064_1076del on transcript NM_000104.4 (MANE Select); coding-DNA positions 1064 to 1076, 13 bases deleted (GAGTGCAGGCAGA).
Protein change: p.Arg355fs; shifts the reading frame from arginine 355.
Molecular consequence: frameshift variant.
Genome position (GRCh38, 1-based): chr2:38,071,278-38,071,290, TCTGCCTGCACTC deleted on the plus strand (GAGTGCAGGCAGA on the coding strand, the reverse complement: CYP1B1 is on the minus strand). VCF-style (leftmost placement, unchanged base first): chr2-38071277-TTCTGCCTGCACTC-T. GRCh37 (hg19) VCF-style: chr2-38298420-TTCTGCCTGCACTC-T.
Other names: p.Arg355HisfsX69; NM_000104.4(CYP1B1):c.1064_1076del; p.Arg355fs; c.1064_1076delGAGTGCAGGCAGA (NM_000104.3); c.1064_1076del13 (NM_000104.3, NM_000104.4); short protein forms R355fs.
Identifiers: ClinVar variation 282564 (VCV000282564.77), dbSNP rs72549380, ClinGen allele CA1619868.
Genomic context (GRCh38, chr2:38,071,277, plus strand): 5'-GGGCAGGTTGGGCTGGTCACCCATACAAGGCAGACGGTCCCTCCCCACGACCTGATCCAA[TTCTGCCTGCACTC>T]GAGTCTGCACATCAGGATACCTGTTTGGTGTTTAATGTGGAGAGAGAAAAGCAAGTGAGC-3'

ClinVar aggregate classification (germline): Pathogenic. Review status: reviewed by expert panel (3 of 4 stars). 19 submissions from 19 submitters: Pathogenic (1). 18 of the submissions do not count toward it. Last evaluated 2025-11-19.

Conditions:
CYP1B1-related disorder. Also called: CYP1B1-Related Disorders. Identifiers: MedGen CN239260.
Fetal anomalies with a likely genetic cause.
Anterior segment dysgenesis 6 (ASGD6). Also called: Anterior segment dysgenesis 6, multiple subtypes. Identifiers: MedGen C4310623, MONDO:0015016, OMIM 617315.
Glaucoma 3A. Also called: Glaucoma 3, primary congenital, A. Identifiers: Orphanet 98976, Orphanet 98977, MedGen C1856439, MONDO:0009277, OMIM 231300.
CYP1B1-related glaucoma with or without anterior segment dysgenesis. Identifiers: MedGen CN375931, MONDO:0800472.
Congenital glaucoma. Identifiers: MedGen C0020302, MONDO:0020366.
Primary congenital glaucoma. Also called: Primary congenital glaucoma (disease). Identifiers: MedGen C1533041, MONDO:0000365, HP:0008007.

Allele frequency attached by ClinVar (database versions not stated): 1000 Genomes Project 30x 0.00016; ESP Exome Variant Server 0.00016; gnomAD exomes 0.00020 and 0.00022; TOPMed 0.00021; ExAC 0.00023; gnomAD 0.00023 and 0.00024.

Submissions 1 to 10 of 19:

ClinGen Glaucoma Variant Curation Expert Panel
Classification: Pathogenic for CYP1B1-related glaucoma with or without anterior segment dysgenesis. Last evaluated: 2025-11-19. Review status: reviewed by expert panel. Criteria: ClinGen CYP1B1 ACMG Specifications V1 Approved. Collection method: curation. Allele origin: germline. Inheritance: Autosomal recessive inheritance.
Comment: The c.1064_1076del variant in CYP1B1 is a deletion of a 13 consecutive nucleotides, predicted to encode a frameshift with consequent premature termination of the protein at codon 69 of the frameshift (p.Arg355HisfsTer69). The highest minor allele frequency of this variant was in the European (Finnish) genetic ancestry group of gnomAD (v4.1.0) = 0.0003337 (21 alleles out of 62,940), which met the ≤ 0.0005 threshold set for PM2_Supporting in a genetic ancestry group of at least 2,000 alleles. This frameshift variant was not predicted to undergo NMD but removes the haem-binding domain (PVS1 met). PS3_Supporting was not applied as the assay reported in PMID:17363580 did not meet the OddsPath threshold (> 2.1). ≥3 affected segregations with a CYP1B1-related phenotype have been reported (PMIDs: 27777502, 25836661), which fulfilled PP1_Strong. There were more family studies published than presented here. This variant has been identified in 4 individuals with a CYP1B1-related phenotype. These individuals are compound heterozygous for the variant and a pathogenic or likely pathogenic variant (confirmed in trans) (PMIDs: 21815720, 38990107, 27777502, 25836661). Total proband points = 4, meeting PM3_Very strong. There were more cases published than presented here. In summary, this variant met the criteria to receive a score of 21 and to be classified as pathogenic (pathogenic classification ≥ 10, adapted from PMID: 32720330) for CYP1B1-related glaucoma with or without anterior segment dysgenesis (ASD) based on the ACMG/AMP criteria met, as specified by the ClinGen Glaucoma VCEP (v1.0, 06.11.2025): PVS1, PM3_Very-strong, PP1_Strong, PM2_Supporting

Genetics Laboratory, Great Ormond Street Hospital NHS Foundation Trust, North Thames Genomic Laboratory Hub
Classification: Likely pathogenic for Fetal anomalies with a likely genetic cause. Last evaluated: 2026-07-06. Review status: criteria provided, single submitter. Criteria: ACGS Best Practice Guidelines for Variant Classification in Rare Disease 2024 v1.2. Collection method: clinical testing. Allele origin: germline. Affected: yes. Not counted in ClinVar's aggregate classification.
Comment: PVS1_strong, PP1_moderate, PM3_moderate

PreventionGenetics, part of Exact Sciences
Classification: Pathogenic for CYP1B1-related condition. Last evaluated: 2026-04-27. Review status: criteria provided, single submitter. Criteria: ACMG Guidelines, 2015. Collection method: clinical testing. Allele origin: germline. Not counted in ClinVar's aggregate classification.
Comment: The CYP1B1 c.1064_1076del13 variant is predicted to result in a frameshift and premature protein termination (p.Arg355Hisfs*69). This variant has been reported in individuals with primary congenital glaucoma (see for examples: García-Antón et al. 2017. PubMed ID: 28448622; Lang et al. 2020. PubMed ID: 32832252; Chesneau et al. 2022. PubMed ID: 35170016). This variant is present in 0.036% of alleles in individuals of European (Non-Finnish) descent in gnomAD. Frameshift variants in CYP1B1 are an established mechanism of disease. This variant has been classified as pathogenic by the ClinGen Glaucoma Variant Curation Expert Panel (Variation ID: 282564). This variant is interpreted as pathogenic.

Labcorp Genetics (formerly Invitae), Labcorp
Classification: Pathogenic for Congenital glaucoma. Last evaluated: 2026-01-26. Review status: criteria provided, single submitter. Criteria: Invitae Variant Classification Sherloc (09022015). Collection method: clinical testing. Allele origin: germline. Not counted in ClinVar's aggregate classification.
Comment: This sequence change creates a premature translational stop signal (p.Arg355Hisfs*69) in the CYP1B1 gene. While this is not anticipated to result in nonsense mediated decay, it is expected to disrupt the last 189 amino acid(s) of the CYP1B1 protein. This variant is present in population databases (rs72549380, gnomAD 0.04%). This premature translational stop signal has been observed in individual(s) with primary congenital glaucoma (PMID: 9097971, 28448622). It has also been observed to segregate with disease in related individuals. ClinVar contains an entry for this variant (Variation ID: 282564). For these reasons, this variant has been classified as Pathogenic.

3billion
Classification: Pathogenic for Anterior segment dysgenesis 6. Last evaluated: 2024-09-28. Review status: criteria provided, single submitter. Criteria: ACMG Guidelines, 2015. Collection method: clinical testing. Allele origin: germline. Affected: yes. Not counted in ClinVar's aggregate classification.
Comment: The variant is observed at an extremely low frequency in the gnomAD v4.1.0 dataset (total allele frequency: 0.020%). Predicted Consequence/Location: Frameshift: predicted to result in a loss or disruption of normal protein function through protein truncation. The predicted truncated protein may be shortened by more than 10%. The variant has been reported at least twice as pathogenic with clinical assertions and evidence for the classification (ClinVar ID: VCV000282564 /PMID: 9097971 /3billion dataset). Therefore, this variant is classified as Pathogenic according to the recommendation of ACMG/AMP guideline.

Blueprint Genetics
Classification: Pathogenic for CYP1B1-related disorders. Last evaluated: 2024-08-20. Review status: criteria provided, single submitter. Criteria: ACMG Guidelines, 2015. Collection method: clinical testing. Allele origin: germline. Affected: yes. Observed: 5 variant alleles. Not counted in ClinVar's aggregate classification.

Women's Health and Genetics/Laboratory Corporation of America, LabCorp
Classification: Pathogenic for Primary congenital glaucoma. Last evaluated: 2024-08-19. Review status: criteria provided, single submitter. Criteria: LabCorp Variant Classification Summary - May 2015. Collection method: clinical testing. Allele origin: germline. Not counted in ClinVar's aggregate classification.
Comment: Variant summary: CYP1B1 c.1064_1076del13 (p.Arg355HisfsX69) results in a premature termination codon, predicted to cause a truncation of the encoded protein or absence of the protein due to nonsense mediated decay, which are commonly known mechanisms for disease. The variant allele was found at a frequency of 0.00022 in 246644 control chromosomes. This frequency is not significantly higher than estimated for a pathogenic variant in CYP1B1 causing Primary Congenital Glaucoma (0.00022 vs 0.0043), allowing no conclusion about variant significance. c.1064_1076del13 has been reported in the literature in multiple individuals affected with Primary Congenital Glaucoma (example, Garcia-Anton_2017, Stoilov_1997). These data indicate that the variant is very likely to be associated with disease. To our knowledge, no experimental evidence demonstrating an impact on protein function has been reported. The following publications have been ascertained in the context of this evaluation (PMID: 28448622, 9097971). ClinVar contains an entry for this variant (Variation ID: 282564). Based on the evidence outlined above, the variant was classified as pathogenic.

Fulgent Genetics
Classification: Pathogenic for Glaucoma 3A; Anterior segment dysgenesis 6. Last evaluated: 2024-06-03. Review status: criteria provided, single submitter. Criteria: ACMG Guidelines, 2015. Collection method: clinical testing. Allele origin: germline. Not counted in ClinVar's aggregate classification.

GeneDx
Classification: Pathogenic. Last evaluated: 2024-05-07. Review status: criteria provided, single submitter. Criteria: GeneDx Variant Classification Process June 2021. Collection method: clinical testing. Allele origin: germline. Affected: yes. Not counted in ClinVar's aggregate classification.
Comment: Frameshift variant predicted to result in abnormal protein length as the last 189 amino acids are replaced with 68 different amino acids, and other similar variants have been reported in HGMD; Also known as 1410 to 1422 delGAGTGCAGGCAGA; This variant is associated with the following publications: (PMID: 25952714, 28448622, 31980526, 27777502, 16735994, 23891399, 32832252, 10851252, 31589614, 26689913, 35170016, 37788597, 37762649, 23218701, 9097971)

Baylor Genetics
Classification: Pathogenic for Anterior segment dysgenesis 6. Last evaluated: 2024-03-19. Review status: criteria provided, single submitter. Criteria: ACMG Guidelines, 2015. Collection method: clinical testing. Allele origin: unknown. Not counted in ClinVar's aggregate classification.